The following is an entry in ClinVar:

ClinVar aggregate classification (germline): Uncertain significance (1 of 4 stars; one submission).

Conditions:
Hereditary spastic paraplegia 4. Also called: Spastic paraplegia 4, autosomal dominant; Spastic Paraplegia 4; Familial spastic paraplegia autosomal dominant 2. Identifiers: Orphanet 100985, MedGen C1866855, MONDO:0008438, OMIM 182601.

Submission:

Labcorp Genetics (formerly Invitae), Labcorp
Classification: Uncertain significance for Hereditary spastic paraplegia 4. Last evaluated: 2020-01-13. Review status: criteria provided, single submitter. Criteria: Invitae Variant Classification Sherloc (09022015). Collection method: clinical testing. Allele origin: germline.
Comment: In summary, the available evidence is currently insufficient to determine the role of this variant in disease. Therefore, it has been classified as a Variant of Uncertain Significance. Algorithms developed to predict the effect of sequence changes on RNA splicing suggest that this variant may create or strengthen a splice site, but this prediction has not been confirmed by published transcriptional studies. Algorithms developed to predict the effect of missense changes on protein structure and function (SIFT, PolyPhen-2, Align-GVGD) all suggest that this variant is likely to be disruptive, but these predictions have not been confirmed by published functional studies and their clinical significance is uncertain. This variant has not been reported in the literature in individuals with SPAST-related conditions. This variant is not present in population databases (ExAC no frequency). This sequence change replaces proline with alanine at codon 509 of the SPAST protein (p.Pro509Ala). The proline residue is highly conserved and there is a small physicochemical difference between proline and alanine.

NM_014946.4(SPAST):c.1525C>G (p.Pro509Ala)

Gene: SPAST (spastin; plus strand). Cytogenetic location: 2p22.3.
Variant type: single nucleotide variant.
Coding change: c.1525C>G on transcript NM_014946.4 (MANE Select); coding-DNA position 1525, C replaced by G.
Protein change: p.Pro509Ala; replaces proline 509 with alanine.
Molecular consequence: missense variant.
Genome position (GRCh38, 1-based): chr2:32,141,935, C>G. VCF-style: chr2-32141935-C-G. GRCh37 (hg19) VCF-style: chr2-32367004-C-G.
Other names: c.1522C>G, p.Pro508Ala (NM_001363823.2); c.1426C>G, p.Pro476Ala (NM_001363875.2); c.1429C>G, p.Pro477Ala (NM_001377959.1, NM_199436.2); short protein forms P476A, P477A, P508A, P509A.
Identifiers: ClinVar variation 1056478 (VCV001056478.10), dbSNP rs1553319092, ClinGen allele CA346502949.